The following is an entry in ClinVar:

ClinVar aggregate classification (germline): Uncertain significance (1 of 4 stars; one submission).

Submission:

Labcorp Genetics (formerly Invitae), Labcorp
Classification: Uncertain significance. Last evaluated: 2025-10-13. Review status: criteria provided, single submitter. Criteria: Invitae Variant Classification Sherloc (09022015). Collection method: clinical testing. Allele origin: germline.
Comment: This sequence change replaces methionine, which is neutral and non-polar, with valine, which is neutral and non-polar, at codon 1313 of the ALPK3 protein (p.Met1313Val). The frequency data for this variant in the population databases is considered unreliable, as metrics indicate poor data quality at this position in the gnomAD database. This variant has not been reported in the literature in individuals affected with ALPK3-related conditions. Invitae Evidence Modeling of protein sequence and biophysical properties (such as structural, functional, and spatial information, amino acid conservation, physicochemical variation, residue mobility, and thermodynamic stability) indicates that this missense variant is not expected to disrupt ALPK3 protein function with a negative predictive value of 80%. In summary, the available evidence is currently insufficient to determine the role of this variant in disease. Therefore, it has been classified as a Variant of Uncertain Significance.

NM_020778.5(ALPK3):c.3331A>G (p.Met1111Val)

Gene: ALPK3 (alpha kinase 3; plus strand). Cytogenetic location: 15q25.3.
Variant type: single nucleotide variant.
Coding change: c.3331A>G on transcript NM_020778.5 (MANE Select); coding-DNA position 3331, A replaced by G.
Protein change: p.Met1111Val; replaces methionine 1111 with valine.
Molecular consequence: missense variant.
Genome position (GRCh38, 1-based): chr15:84,858,069, A>G. VCF-style: chr15-84858069-A-G. GRCh37 (hg19) VCF-style: chr15-85401300-A-G.
Other names: short protein forms M1111V.
Identifiers: ClinVar variation 4808074 (VCV004808074.1).